The following is an entry in ClinVar:

NM_005026.5(PIK3CD):c.2984T>C (p.Ile995Thr)

Gene: PIK3CD (phosphatidylinositol-4,5-bisphosphate 3-kinase catalytic subunit delta; plus strand). Cytogenetic location: 1p36.22.
Variant type: single nucleotide variant.
Coding change: c.2984T>C on transcript NM_005026.5 (MANE Select); coding-DNA position 2984, T replaced by C.
Protein change: p.Ile995Thr; replaces isoleucine 995 with threonine.
Molecular consequence: missense variant.
Genome position (GRCh38, 1-based): chr1:9,724,923, T>C. VCF-style: chr1-9724923-T-C. GRCh37 (hg19) VCF-style: chr1-9784981-T-C.
Other names: c.2981T>C, p.Ile994Thr (NM_001350234.2, NM_001439206.1); c.2897T>C, p.Ile966Thr (NM_001350235.1); c.2984T>C, p.Ile995Thr (NM_001437546.1); c.2840T>C, p.Ile947Thr (NM_001437547.1, NM_001438338.1); short protein forms I947T, I995T, I994T, I966T.
Identifiers: ClinVar variation 4705393 (VCV004705393.1).

ClinVar aggregate classification (germline): Uncertain significance (1 of 4 stars; one submission).

Conditions:
Immunodeficiency 14 (IMD14A). Also called: p110-DELTA-ACTIVATING MUTATION CAUSING SENESCENT T CELLS, LYMPHADENOPATHY, AND IMMUNODEFICIENCY; ACTIVATED PI3K-DELTA SYNDROME 1; Activated PI3K Delta Syndrome Type 1 (APDS1); IMMUNODEFICIENCY 14A WITH LYMPHOPROLIFERATION, AUTOSOMAL DOMINANT. Identifiers: Orphanet 397596, Orphanet 693661, MedGen C5907821, MONDO:0014222, OMIM 615513.

gnomAD v4.1: 41 of 1,613,696 alleles (0.0025%); highest among the groups gnomAD compares: Non-Finnish European, 0.0035%; no homozygotes.

Submission:

Labcorp Genetics (formerly Invitae), Labcorp
Classification: Uncertain significance for Activated PI3K-delta syndrome. Last evaluated: 2025-10-06. Review status: criteria provided, single submitter. Criteria: Invitae Variant Classification Sherloc (09022015). Collection method: clinical testing. Allele origin: germline.
Comment: This sequence change replaces isoleucine, which is neutral and non-polar, with threonine, which is neutral and polar, at codon 995 of the PIK3CD protein (p.Ile995Thr). This variant is not present in population databases (gnomAD no frequency). This variant has not been reported in the literature in individuals affected with PIK3CD-related conditions. Invitae Evidence Modeling of protein sequence and biophysical properties (such as structural, functional, and spatial information, amino acid conservation, physicochemical variation, residue mobility, and thermodynamic stability) indicates that this missense variant is expected to disrupt PIK3CD protein function with a positive predictive value of 80%. In summary, the available evidence is currently insufficient to determine the role of this variant in disease. Therefore, it has been classified as a Variant of Uncertain Significance.